The following is an entry in ClinVar:

ClinVar aggregate classification (germline): Likely benign (1 of 4 stars; one submission).

gnomAD v4.1: 19 of 1,610,540 alleles (0.0012%); highest among the groups gnomAD compares: Non-Finnish European, 0.0015%; no homozygotes.

Submission:

CeGaT Center for Human Genetics Tuebingen
Classification: Likely benign. Last evaluated: 2025-11-01. Review status: criteria provided, single submitter. Criteria: CeGaT Center For Human Genetics Tuebingen Variant Classification Criteria Version 2. Collection method: clinical testing. Allele origin: germline. Affected: yes. Observed: 1 variant allele.
Comment: ZNF292: BP4

NM_015021.3(ZNF292):c.5221A>C (p.Asn1741His)

Gene: ZNF292 (zinc finger protein 292; plus strand). Cytogenetic location: 6q14.3.
Variant type: single nucleotide variant.
Coding change: c.5221A>C on transcript NM_015021.3 (MANE Select); coding-DNA position 5221, A replaced by C.
Protein change: p.Asn1741His; replaces asparagine 1741 with histidine.
Molecular consequence: missense variant.
Genome position (GRCh38, 1-based): chr6:87,258,850, A>C. VCF-style: chr6-87258850-A-C. GRCh37 (hg19) VCF-style: chr6-87968568-A-C.
Other names: c.4801A>C, p.Asn1601His (NM_001351444.2); short protein forms N1601H, N1741H.
Identifiers: ClinVar variation 4534008 (VCV004534008.6).